The following is an entry in ClinVar:

NM_001134363.3(RBM20):c.115C>T (p.Arg39Ter)

Gene: RBM20 (RNA binding motif protein 20; plus strand). Cytogenetic location: 10q25.2.
Variant type: single nucleotide variant.
Coding change: c.115C>T on transcript NM_001134363.3 (MANE Select); coding-DNA position 115, C replaced by T.
Protein change: p.Arg39Ter; replaces arginine 39 with a stop codon.
Molecular consequence: nonsense.
Genome position (GRCh38, 1-based): chr10:110,644,569, C>T. VCF-style: chr10-110644569-C-T. GRCh37 (hg19) VCF-style: chr10-112404327-C-T.
Other names: c.115C>T (NM_001134363.1); short protein forms R39*.
Identifiers: ClinVar variation 968798 (VCV000968798.8), dbSNP rs1281593181, ClinGen allele CA378527718.

ClinVar aggregate classification (germline): Conflicting classifications of pathogenicity. Review status: criteria provided, conflicting classifications (1 of 4 stars). 2 submissions from 2 submitters: Pathogenic (1); Uncertain significance (1). Last evaluated 2026-07-16.

Conditions:
Cardiovascular phenotype. Identifiers: MedGen CN230736.
Dilated cardiomyopathy 1DD (CMD1DD). Identifiers: Orphanet 154, MedGen C2750995, MONDO:0013168, OMIM 613172.

Allele frequency attached by ClinVar (database versions not stated): TOPMed below 0.00001.

Submissions (2):

Ambry Genetics
Classification: Uncertain significance for Cardiovascular phenotype. Last evaluated: 2026-07-16. Review status: criteria provided, single submitter. Criteria: Ambry Variant Classification Scheme 2023. Collection method: clinical testing. Allele origin: germline.
Comment: The p.R39* variant (also known as c.115C>T), located in coding exon 1 of the RBM20 gene, results from a C to T substitution at nucleotide position 115. This changes the amino acid from an arginine to a stop codon within coding exon 1. This variant is expected to result in protein truncation or nonsense-mediated mRNA decay. However, loss of function has not been established as a mechanism of disease. Based on the available evidence, the clinical significance of this variant remains unclear.

Labcorp Genetics (formerly Invitae), Labcorp
Classification: Pathogenic for Dilated cardiomyopathy 1DD. Last evaluated: 2025-12-08. Review status: criteria provided, single submitter. Criteria: Invitae Variant Classification Sherloc (09022015). Collection method: clinical testing. Allele origin: germline.
Comment: This sequence change creates a premature translational stop signal (p.Arg39*) in the RBM20 gene. It is expected to result in an absent or disrupted protein product. Loss-of-function variants in RBM20 are known to be pathogenic (PMID: 20590677, 22004663, 38288598, 38510713, 40339755). This variant is not present in population databases (gnomAD no frequency). This variant has not been reported in the literature in individuals affected with RBM20-related conditions. ClinVar contains an entry for this variant (Variation ID: 968798). For these reasons, this variant has been classified as Pathogenic.

Literature cited by the submitters: PubMed 20590677 (cited by Labcorp Genetics (formerly Invitae), Labcorp); PubMed 22004663 (cited by Labcorp Genetics (formerly Invitae), Labcorp); PubMed 38288598 (cited by Labcorp Genetics (formerly Invitae), Labcorp); PubMed 38510713 (cited by Labcorp Genetics (formerly Invitae), Labcorp); PubMed 40339755 (cited by Labcorp Genetics (formerly Invitae), Labcorp).